The following is an entry in ClinVar:

ClinVar aggregate classification (germline): Pathogenic (1 of 4 stars; one submission).

gnomAD v4.1: 2 of 1,614,106 alleles (0.00012%); highest among the groups gnomAD compares: East Asian, 0.0022%; no homozygotes.

Submission:

GeneDx
Classification: Pathogenic. Last evaluated: 2025-06-30. Review status: criteria provided, single submitter. Criteria: GeneDx Variant Classification Process June 2021. Collection method: clinical testing. Allele origin: germline. Affected: yes.
Comment: Nonsense variant predicted to result in protein truncation or nonsense mediated decay in a gene for which loss of function is a known mechanism of disease; Not observed at significant frequency in large population cohorts (gnomAD); Has not been previously published as pathogenic or benign to our knowledge

NM_001005273.3(CHD3):c.1522C>T (p.Arg508Ter)

Gene: CHD3 (chromodomain helicase DNA binding protein 3; plus strand). Cytogenetic location: 17p13.1.
Variant type: single nucleotide variant.
Coding change: c.1522C>T on transcript NM_001005273.3 (MANE Select); coding-DNA position 1522, C replaced by T.
Protein change: p.Arg508Ter; replaces arginine 508 with a stop codon.
Molecular consequence: nonsense.
Genome position (GRCh38, 1-based): chr17:7,895,357, C>T. VCF-style: chr17-7895357-C-T. GRCh37 (hg19) VCF-style: chr17-7798675-C-T.
Other names: c.1699C>T, p.Arg567Ter (NM_001437504.1, NM_001005271.3); c.1687C>T, p.Arg563Ter (NM_001437507.1, NM_001437508.1, NM_001437509.1); c.1522C>T, p.Arg508Ter (NM_005852.4); short protein forms R508*, R563*, R567*.
Identifiers: ClinVar variation 4680909 (VCV004680909.1).